The following is an entry in ClinVar:

NM_004453.4(ETFDH):c.1627_1628insAT (p.Ser543fs)

Gene: ETFDH (electron transfer flavoprotein dehydrogenase; plus strand). Cytogenetic location: 4q32.1.
Variant type: Insertion.
Coding change: c.1627_1628insAT on transcript NM_004453.4 (MANE Select); coding-DNA positions 1627 to 1628, AT inserted.
Protein change: p.Ser543fs; shifts the reading frame from serine 543.
Molecular consequence: frameshift variant.
Genome position: GRCh38 VCF-style: chr4-158706787-A-AAT. GRCh37 (hg19) VCF-style: chr4-159627939-A-AAT.
Other names: c.1486_1487insAT, p.Ser496fs (NM_001281737.2); c.1444_1445insAT, p.Ser482fs (NM_001281738.1); short protein forms S543fs, S482fs, S496fs.
Identifiers: ClinVar variation 1969564 (VCV001969564.5), dbSNP rs2476735862, ClinGen allele CA2580071644.

ClinVar aggregate classification (germline): Pathogenic (1 of 4 stars; one submission).

Conditions:
Multiple acyl-CoA dehydrogenase deficiency (MADD). Also called: ETHYLMALONIC-ADIPICACIDURIA; GA II; Glutaric aciduria, type 2; Glutaric acidemia type II; GA 2; Glutaric Acidemia type 2. Identifiers: Orphanet 26791, MedGen C0268596, MONDO:0009282, OMIM 231680.

Submission:

Labcorp Genetics (formerly Invitae), Labcorp
Classification: Pathogenic for Multiple acyl-CoA dehydrogenase deficiency. Last evaluated: 2022-09-01. Review status: criteria provided, single submitter. Criteria: Invitae Variant Classification Sherloc (09022015). Collection method: clinical testing. Allele origin: germline.
Comment: For these reasons, this variant has been classified as Pathogenic. This variant has not been reported in the literature in individuals affected with ETFDH-related conditions. This variant is not present in population databases (gnomAD no frequency). This sequence change creates a premature translational stop signal (p.Ser543Asnfs*5) in the ETFDH gene. It is expected to result in an absent or disrupted protein product. Loss-of-function variants in ETFDH are known to be pathogenic (PMID: 16510302, 23785301).

Literature cited by the submitters: PubMed 16510302; PubMed 23785301.